The following is an entry in ClinVar:

ClinVar aggregate classification (germline): Benign. Review status: criteria provided, multiple submitters, no conflicts (2 of 4 stars). 12 submissions from 11 submitters: Benign (9). 3 of the submissions do not count toward it. Last evaluated 2026-05-08.

Conditions:
Ellis-van Creveld syndrome (EVC). Also called: Chondroectodermal dysplasia; MESOECTODERMAL DYSPLASIA. Identifiers: Orphanet 289, MedGen C0013903, MONDO:0009162, OMIM 225500.
Curry-Hall syndrome (WAD). Also called: WEYERS ACRODENTAL DYSOSTOSIS. Identifiers: Orphanet 952, MedGen C0457013, MONDO:0008673, OMIM 193530.

Allele frequency attached by ClinVar (database versions not stated): 1000 Genomes Project 0.69050; 1000 Genomes Project 30x 0.69191; TOPMed 0.70820; gnomAD exomes 0.71885; gnomAD 0.72067 and 0.72106; ESP Exome Variant Server 0.72174; ExAC 0.72700.
gnomAD v4.1: 1,178,037 of 1,612,074 alleles (73%); highest among the groups gnomAD compares: South Asian, 82%; 432,017 homozygotes.

Submissions (12):

Women's Health and Genetics/Laboratory Corporation of America, LabCorp
Classification: Benign. Last evaluated: 2026-05-08. Review status: criteria provided, single submitter. Criteria: LabCorp Variant Classification Summary - May 2015. Collection method: clinical testing. Allele origin: germline.

Labcorp Genetics (formerly Invitae), Labcorp
Classification: Benign for Curry-Hall syndrome; Ellis-van Creveld syndrome. Last evaluated: 2026-02-04. Review status: criteria provided, single submitter. Criteria: Invitae Variant Classification Sherloc (09022015). Collection method: clinical testing. Allele origin: germline.

Blueprint Genetics
Classification: Benign. Last evaluated: 2024-11-26. Review status: criteria provided, single submitter. Criteria: ACMG Guidelines, 2015. Collection method: clinical testing. Allele origin: germline.

Genome-Nilou Lab
Classification: Benign for Curry-Hall syndrome. Last evaluated: 2021-07-30. Review status: criteria provided, single submitter. Criteria: ACMG Guidelines, 2015. Collection method: clinical testing. Allele origin: germline. Affected: no.

Genome-Nilou Lab
Classification: Benign for Ellis-van Creveld syndrome. Last evaluated: 2021-07-30. Review status: criteria provided, single submitter. Criteria: ACMG Guidelines, 2015. Collection method: clinical testing. Allele origin: germline. Affected: no.

Illumina Laboratory Services, Illumina
Classification: Benign for Ellis-van Creveld syndrome. Last evaluated: 2018-01-12. Review status: criteria provided, single submitter. Criteria: ICSL Variant Classification Criteria 13 December 2019. Collection method: clinical testing. Allele origin: germline.
Comment: This variant was observed in the ICSL laboratory as part of a predisposition screen in an ostensibly healthy population. It had not been previously curated by ICSL or reported in the Human Gene Mutation Database (HGMD: prior to June 1st, 2018), and was therefore a candidate for classification through an automated scoring system. Utilizing variant allele frequency, disease prevalence and penetrance estimates, and inheritance mode, an automated score was calculated to assess if this variant is too frequent to cause the disease. Based on the score and internal cut-off values, a variant classified as benign is not then subjected to further curation. The score for this variant resulted in a classification of benign for this disease.

GeneDx
Classification: Benign. Last evaluated: 2016-03-03. Review status: criteria provided, single submitter. Criteria: GeneDx Variant Classification (06012015). Collection method: clinical testing. Allele origin: germline. Affected: yes.
Comment: This variant is considered likely benign or benign based on one or more of the following criteria: it is a conservative change, it occurs at a poorly conserved position in the protein, it is predicted to be benign by multiple in silico algorithms, and/or has population frequency not consistent with disease.

Breakthrough Genomics
Classification: Benign. Review status: criteria provided, single submitter. Criteria: ACMG Guidelines, 2015. Collection method: not provided. Allele origin: germline. Inheritance: Autosomal recessive inheritance. Affected: yes.

PreventionGenetics, part of Exact Sciences
Classification: Benign. Review status: criteria provided, single submitter. Criteria: ACMG Guidelines, 2015. Collection method: clinical testing. Allele origin: germline.

Natera, Inc.
Classification: Benign for Ellis-van Creveld syndrome. Last evaluated: 2020-09-16. Review status: no assertion criteria provided. Collection method: clinical testing. Allele origin: germline. Not counted in ClinVar's aggregate classification.

Diagnostic Laboratory, Department of Genetics, University Medical Center Groningen
Classification: Benign. Review status: no assertion criteria provided. Collection method: clinical testing. Allele origin: germline. Affected: yes. Study: VKGL Data-share Consensus. Not counted in ClinVar's aggregate classification.

Joint Genome Diagnostic Labs from Nijmegen and Maastricht, Radboudumc and MUMC+
Classification: Benign. Review status: no assertion criteria provided. Collection method: clinical testing. Allele origin: germline. Affected: yes. Study: VKGL Data-share Consensus. Not counted in ClinVar's aggregate classification.

NM_153717.3(EVC):c.2305-8T>C

Gene: EVC (EvC ciliary complex subunit 1; plus strand). Cytogenetic location: 4p16.2.
Variant type: single nucleotide variant.
Coding change: c.2305-8T>C on transcript NM_153717.3 (MANE Select); 8 bases into the intron before coding-DNA position 2305, T replaced by C.
Molecular consequence: intron variant.
Genome position (GRCh38, 1-based): chr4:5,801,942, T>C. VCF-style: chr4-5801942-T-C. GRCh37 (hg19) VCF-style: chr4-5803669-T-C.
Other names: c.2305-8T>C (NM_001306090.2).
Identifiers: ClinVar variation 262774 (VCV000262774.28), dbSNP rs1031919, ClinGen allele CA2836455.